The following is an entry in ClinVar:

ClinVar aggregate classification (germline): Uncertain significance (1 of 4 stars; one submission).

Conditions:
Cardiovascular phenotype. Identifiers: MedGen CN230736.

Submission:

Ambry Genetics
Classification: Uncertain significance for Cardiovascular phenotype. Last evaluated: 2026-02-19. Review status: criteria provided, single submitter. Criteria: Ambry Variant Classification Scheme 2023. Collection method: clinical testing. Allele origin: germline.
Comment: The p.T1259M variant (also known as c.3776C>T), located in coding exon 2 of the ZNF469 gene, results from a C to T substitution at nucleotide position 3776. The threonine at codon 1259 is replaced by methionine, an amino acid with similar properties. This amino acid position is conserved. In addition, this alteration is predicted to be tolerated by in silico analysis. Based on the available evidence, the clinical significance of this variant remains unclear.

NM_001127464.1:c.3776C>T

Gene: ZNF469 (zinc finger protein 469; plus strand).
Variant type: single nucleotide variant.
Identifiers: ClinVar variation 4845033 (VCV004845033.1).